The following is an entry in ClinVar:

ClinVar aggregate classification (germline): Uncertain significance (1 of 4 stars; one submission).

Conditions:
Hereditary cancer-predisposing syndrome. Also called: Tumor predisposition; Hereditary neoplastic syndrome; Neoplastic Syndromes, Hereditary; Hereditary Cancer Syndrome. Identifiers: Orphanet 140162, MedGen C0027672, MeSH D009386, MONDO:0015356.

Submission:

Ambry Genetics
Classification: Uncertain significance for Hereditary cancer-predisposing syndrome. Last evaluated: 2025-04-10. Review status: criteria provided, single submitter. Criteria: Ambry Variant Classification Scheme 2023. Collection method: clinical testing. Allele origin: germline.
Comment: The p.K135N variant (also known as c.405A>C), located in coding exon 5 of the BRCA1 gene, results from an A to C substitution at nucleotide position 405. The lysine at codon 135 is replaced by asparagine, an amino acid with similar properties. This amino acid position is well conserved in available vertebrate species. In addition, the in silico prediction for this alteration is inconclusive. Based on the available evidence, the clinical significance of this variant remains unclear.

NM_007294.4(BRCA1):c.405A>C (p.Lys135Asn)

Gene: BRCA1 (BRCA1 DNA repair associated; minus strand). Cytogenetic location: 17q21.31.
Variant type: single nucleotide variant.
Coding change: c.405A>C on transcript NM_007294.4 (MANE Select); coding-DNA position 405, A replaced by C.
Protein change: p.Lys135Asn; replaces lysine 135 with asparagine.
Molecular consequence: missense variant. On other transcripts: intron variant (2).
Genome position (GRCh38, 1-based): chr17:43,104,158, T>G on the plus strand (A>C on the coding strand, the complement: BRCA1 is on the minus strand). VCF-style: chr17-43104158-T-G. GRCh37 (hg19) VCF-style: chr17-41256175-T-G.
Other names: c.195A>C, p.Lys65Asn (NM_001408484.1, NM_001408485.1, NM_001408489.1 and 58 more transcripts); c.405A>C, p.Lys135Asn (NM_001407619.1, NM_001407620.1, NM_001407621.1 and 164 more transcripts); c.396A>C, p.Lys132Asn (NM_001407646.1, NM_001407647.1, NM_001408408.1); c.327A>C, p.Lys109Asn (NM_001407660.1, NM_001407661.1, NM_001407662.1 and 21 more transcripts); c.264A>C, p.Lys88Asn (NM_001407935.1, NM_001407936.1, NM_001407942.1 and 99 more transcripts); c.24A>C, p.Lys8Asn (NM_001407965.1, NM_001407959.1, NM_001407960.1 and 4 more transcripts); c.273A>C, p.Lys91Asn (NM_001408451.1); c.-218-9298A>C (NM_001407967.1, NM_001407966.1); short protein forms K8N, K65N, K88N, K109N, K135N, K132N, K91N.
Identifiers: ClinVar variation 3992566 (VCV003992566.1).
Genomic context (GRCh38, chr17:43,104,158, plus strand): 5'-GAAGAAGAAAACAAATGGTTTTACCAAGGAAGGATTTTCGGGTTCACTCTGTAGAAGTCT[T>G]TTGGCACGGTTTCTGTAGCCCATACTTTGGATGATAGAAACTTCATCTTTTAGATGTTCA-3'
Protein context (NP_009225.1, residues 125-145): IQSMGYRNRA[Lys135Asn]RLLQSEPENP